The following is an entry in ClinVar:

ClinVar aggregate classification (germline): Benign/Likely benign. Review status: criteria provided, multiple submitters, no conflicts (2 of 4 stars). 3 submissions from 3 submitters: Benign (1); Likely benign (2). Last evaluated 2025-01-21.

Conditions:
Familial cancer of breast. Also called: BREAST CANCER, FAMILIAL; Hereditary breast cancer; hereditary breast carcinoma. Identifiers: Orphanet 227535, MedGen C0346153, MONDO:0016419, OMIM 114480. Disease mechanism: loss of function.
Hereditary cancer-predisposing syndrome. Also called: Neoplastic Syndromes, Hereditary; Tumor predisposition; Hereditary neoplastic syndrome; Hereditary Cancer Syndrome. Identifiers: Orphanet 140162, MedGen C0027672, MeSH D009386, MONDO:0015356.

Allele frequency attached by ClinVar (database versions not stated): gnomAD exomes below 0.00001.
gnomAD v4.1: 2 of 1,613,926 alleles (0.00012%); highest among the groups gnomAD compares: African/African-American, 0.0027%; no homozygotes.

Submissions (3):

Myriad Genetics, Inc.
Classification: Benign for Familial cancer of breast. Last evaluated: 2025-01-21. Review status: criteria provided, single submitter. Criteria: Myriad Autosomal Dominant, Autosomal Recessive and X-Linked Classification Criteria (2023). Collection method: clinical testing. Allele origin: unknown.
Comment: This variant is considered benign. This variant is a silent/synonymous amino acid change and it is not expected to impact splicing.

Labcorp Genetics (formerly Invitae), Labcorp
Classification: Likely benign for Familial cancer of breast. Last evaluated: 2024-01-10. Review status: criteria provided, single submitter. Criteria: Invitae Variant Classification Sherloc (09022015). Collection method: clinical testing. Allele origin: germline.

Ambry Genetics
Classification: Likely benign for Hereditary cancer-predisposing syndrome. Last evaluated: 2022-12-12. Review status: criteria provided, single submitter. Criteria: Ambry Variant Classification Scheme 2023. Collection method: clinical testing. Allele origin: germline.

NM_024675.4(PALB2):c.3015T>C (p.Phe1005=)

Gene: PALB2 (partner and localizer of BRCA2; minus strand). Cytogenetic location: 16p12.2.
Variant type: single nucleotide variant.
Coding change: c.3015T>C on transcript NM_024675.4 (MANE Select); coding-DNA position 3015, T replaced by C.
Protein change: p.Phe1005=; no amino-acid change (phenylalanine 1005 retained).
Molecular consequence: synonymous variant. On other transcripts: intron variant (1).
Genome position (GRCh38, 1-based): chr16:23,621,460, A>G on the plus strand (T>C on the coding strand, the complement: PALB2 is on the minus strand). VCF-style: chr16-23621460-A-G. GRCh37 (hg19) VCF-style: chr16-23632781-A-G.
Other names: c.2955T>C, p.Phe985= (NM_001407296.1); c.2943T>C, p.Phe981= (NM_001407297.1); c.2853T>C, p.Phe951= (NM_001407298.1, NM_001407302.1); c.3015T>C, p.Phe1005= (NM_001407299.1, NM_001407301.1); c.2130T>C, p.Phe710= (NM_001407304.1, NM_001407305.1, NM_001407306.1 and 4 more transcripts); c.1968T>C, p.Phe656= (NM_001407307.1); c.1227T>C, p.Phe409= (NM_001407312.1, NM_001407313.1); c.549T>C, p.Phe183= (NM_001407314.1); and 1 more.
Identifiers: ClinVar variation 2453290 (VCV002453290.6), dbSNP rs2506320531, ClinGen allele CA494180194.
Genomic context (GRCh38, chr16:23,621,460, plus strand): 5'-AGCTTCTTGCATCCCTTGGACCTCAGCAAAAGTTAGTATAGTCTCCTCAGGGGGCATCAA[A>G]AATTGGTTTTCTTTGCCTCTGTAATTAAAACAGTATGAAAAGTCAGTACTTTGCACTAAA-3'
Protein context (NP_078951.2, residues 995-1015): AEDGGGKENQ[Phe1005=]LMPPEETILT